The following is an entry in ClinVar:

NM_000231.3(SGCG):c.317A>C (p.Gln106Pro)

Gene: SGCG (sarcoglycan gamma; plus strand). Cytogenetic location: 13q12.12.
Variant type: single nucleotide variant.
Coding change: c.317A>C on transcript NM_000231.3 (MANE Select); coding-DNA position 317, A replaced by C.
Protein change: p.Gln106Pro; replaces glutamine 106 with proline.
Molecular consequence: missense variant.
Genome position (GRCh38, 1-based): chr13:23,250,649, A>C. VCF-style: chr13-23250649-A-C. GRCh37 (hg19) VCF-style: chr13-23824788-A-C.
Other names: c.371A>C, p.Gln124Pro (NM_001378244.1); c.317A>C, p.Gln106Pro (NM_001378245.1, NM_001378246.1); short protein forms Q106P, Q124P.
Identifiers: ClinVar variation 1431536 (VCV001431536.8), dbSNP rs2137569326, ClinGen allele CA387501555.

ClinVar aggregate classification (germline): Uncertain significance (1 of 4 stars; one submission).

Conditions:
Autosomal recessive limb-girdle muscular dystrophy type 2C (LGMDR5). Also called: MUSCULAR DYSTROPHY, DUCHENNE-LIKE; MUSCULAR DYSTROPHY, LIMB-GIRDLE, AUTOSOMAL RECESSIVE 5. Identifiers: Orphanet 353, MedGen C0410173, MONDO:0009677, OMIM 253700. Disease mechanism: Affects gamma-sarcoglycan and also disrupts the integrity of the entire sarcoglycan complex..

Submission:

Labcorp Genetics (formerly Invitae), Labcorp
Classification: Uncertain significance for Autosomal recessive limb-girdle muscular dystrophy type 2C. Last evaluated: 2021-06-04. Review status: criteria provided, single submitter. Criteria: Invitae Variant Classification Sherloc (09022015). Collection method: clinical testing. Allele origin: germline.
Comment: This sequence change replaces glutamine with proline at codon 106 of the SGCG protein (p.Gln106Pro). The glutamine residue is moderately conserved and there is a moderate physicochemical difference between glutamine and proline. This variant is not present in population databases (ExAC no frequency). This variant has not been reported in the literature in individuals with SGCG-related conditions. Algorithms developed to predict the effect of missense changes on protein structure and function are either unavailable or do not agree on the potential impact of this missense change (SIFT: "Tolerated"; PolyPhen-2: "Possibly Damaging"; Align-GVGD: "Class C0"). In summary, the available evidence is currently insufficient to determine the role of this variant in disease. Therefore, it has been classified as a Variant of Uncertain Significance.